The following is an entry in ClinVar:

ClinVar aggregate classification (germline): Uncertain significance (1 of 4 stars; one submission).

Conditions:
Joubert syndrome. Also called: JOUBERT-BOLTSHAUSER SYNDROME; Familial aplasia of the vermis. Identifiers: Orphanet 475, MedGen C5979921, MONDO:0018772.
Meckel-Gruber syndrome. Also called: DYSENCEPHALIA SPLANCHNOCYSTICA; GRUBER SYNDROME; Dysencephalia splachnocystica. Identifiers: Orphanet 564, MedGen C0265215, MONDO:0018921.

Allele frequency attached by ClinVar (database versions not stated): gnomAD exomes below 0.00001; TOPMed below 0.00001.
gnomAD v4.1: 1 of 1,613,390 alleles (0.000062%); highest among the groups gnomAD compares: Admixed American, 0.0017%; no homozygotes.

Submission:

Labcorp Genetics (formerly Invitae), Labcorp
Classification: Uncertain significance for Joubert syndrome; Meckel-Gruber syndrome. Last evaluated: 2022-08-31. Review status: criteria provided, single submitter. Criteria: Invitae Variant Classification Sherloc (09022015). Collection method: clinical testing. Allele origin: germline.
Comment: This sequence change replaces isoleucine, which is neutral and non-polar, with valine, which is neutral and non-polar, at codon 814 of the CC2D2A protein (p.Ile814Val). This variant is not present in population databases (gnomAD no frequency). This variant has not been reported in the literature in individuals affected with CC2D2A-related conditions. Advanced modeling of protein sequence and biophysical properties (such as structural, functional, and spatial information, amino acid conservation, physicochemical variation, residue mobility, and thermodynamic stability) performed at Invitae indicates that this missense variant is not expected to disrupt CC2D2A protein function. In summary, the available evidence is currently insufficient to determine the role of this variant in disease. Therefore, it has been classified as a Variant of Uncertain Significance.

NM_001378615.1(CC2D2A):c.2440A>G (p.Ile814Val)

Genes: CC2D2A (coiled-coil and C2 domain containing 2A; plus strand), FBXL5 (F-box and leucine rich repeat protein 5; minus strand). Cytogenetic location: 4p15.32.
Variant type: single nucleotide variant.
Coding change: c.2440A>G on transcript NM_001378615.1 (MANE Select); coding-DNA position 2440, A replaced by G.
Protein change: p.Ile814Val; replaces isoleucine 814 with valine.
Molecular consequence: missense variant.
Genome position (GRCh38, 1-based): chr4:15,553,259, A>G. VCF-style: chr4-15553259-A-G. GRCh37 (hg19) VCF-style: chr4-15554882-A-G.
Other names: c.2440A>G, p.Ile814Val (NM_001080522.2); c.2293A>G, p.Ile765Val (NM_001378617.1); short protein forms I814V, I765V.
Identifiers: ClinVar variation 2051678 (VCV002051678.1), dbSNP rs1719098708, ClinGen allele CA356419405.